The following is an entry in ClinVar:

NM_024675.4(PALB2):c.1841T>A (p.Leu614Ter)

Gene: PALB2 (partner and localizer of BRCA2; minus strand). Cytogenetic location: 16p12.2.
Variant type: single nucleotide variant.
Coding change: c.1841T>A on transcript NM_024675.4 (MANE Select); coding-DNA position 1841, T replaced by A.
Protein change: p.Leu614Ter; replaces leucine 614 with a stop codon.
Molecular consequence: nonsense. On other transcripts: intron variant (1).
Genome position (GRCh38, 1-based): chr16:23,630,313, A>T on the plus strand (T>A on the coding strand, the complement: PALB2 is on the minus strand). VCF-style: chr16-23630313-A-T. GRCh37 (hg19) VCF-style: chr16-23641634-A-T.
Other names: c.1781T>A, p.Leu594Ter (NM_001407296.1); c.1841T>A, p.Leu614Ter (NM_001407297.1, NM_001407298.1, NM_001407299.1 and 3 more transcripts); c.956T>A, p.Leu319Ter (NM_001407304.1, NM_001407305.1, NM_001407306.1 and 5 more transcripts); c.53T>A, p.Leu18Ter (NM_001407312.1, NM_001407313.1); c.49-1038T>A (NM_001407314.1); short protein forms L18*, L319*, L594*, L614*.
Identifiers: ClinVar variation 2674174 (VCV002674174.1), dbSNP rs1555460628, ClinGen allele CA395127846.
Genomic context (GRCh38, chr16:23,630,313, plus strand): 5'-GGTTTTTCTGAGCAGGACTTCACTTTTTCAAGCTTAAGAGGTCCAAAGTCTTCATCAGGT[A>T]ACTGAAAGTCTGTGATACTGAGAAAAGACAGTAGTTGCTTTAAACTCAGCATTCCATCCC-3'

ClinVar aggregate classification (germline): Pathogenic (1 of 4 stars; one submission).

Conditions:
Familial cancer of breast. Also called: Hereditary breast cancer; BREAST CANCER, FAMILIAL; hereditary breast carcinoma. Identifiers: Orphanet 227535, MedGen C0346153, MONDO:0016419, OMIM 114480. Disease mechanism: loss of function.

Submission:

Myriad Genetics, Inc.
Classification: Pathogenic for Familial cancer of breast. Last evaluated: 2023-09-11. Review status: criteria provided, single submitter. Criteria: Myriad Autosomal Dominant, Autosomal Recessive and X-Linked Classification Criteria (2023). Collection method: clinical testing. Allele origin: unknown.
Comment: This variant is considered pathogenic. This variant creates a termination codon and is predicted to result in premature protein truncation.